The following is an entry in ClinVar:

ClinVar aggregate classification (germline): Benign. Review status: criteria provided, multiple submitters, no conflicts (2 of 4 stars). 2 submissions from 2 submitters: Benign (2). Last evaluated 2026-02-11.

Submissions (2):

Women's Health and Genetics/Laboratory Corporation of America, LabCorp
Classification: Benign. Last evaluated: 2026-02-11. Review status: criteria provided, single submitter. Criteria: LabCorp Variant Classification Summary - May 2015. Collection method: clinical testing. Allele origin: germline.
Comment: Variant summary: MAN2B2 c.2370+11C>T alters a nucleotide located at a position not widely known to affect splicing. Consensus agreement among computation tools predict no significant impact on normal splicing. However, these predictions have yet to be confirmed by functional studies. The variant allele was found at a frequency of 0.025 in 251216 control chromosomes in the gnomAD database, including 285 homozygotes. The observed variant frequency exceeds the estimated maximal expected allele frequency for disease-causing variants in MAN2B2. To our knowledge, no occurrence of c.2370+11C>T in individuals affected with MAN2B2-related conditions and no experimental evidence demonstrating its impact on protein function have been reported. ClinVar contains an entry for this variant (Variation ID: 4684780). Based on the evidence outlined above, the variant was classified as benign.

Mayo Clinic Laboratories, Mayo Clinic
Classification: Benign. Last evaluated: 2024-11-29. Review status: criteria provided, single submitter. Criteria: ACMG Guidelines, 2015. Collection method: clinical testing. Allele origin: germline. Observed: 1 variant allele.

NM_015274.3(MAN2B2):c.2370+11C>T

Gene: MAN2B2 (mannosidase alpha class 2B member 2; plus strand). Cytogenetic location: 4p16.1.
Variant type: single nucleotide variant.
Coding change: c.2370+11C>T on transcript NM_015274.3 (MANE Select); 11 bases into the intron after coding-DNA position 2370, C replaced by T.
Molecular consequence: intron variant.
Genome position (GRCh38, 1-based): chr4:6,611,001, C>T. VCF-style: chr4-6611001-C-T. GRCh37 (hg19) VCF-style: chr4-6612728-C-T.
Other names: p.?; c.2217+11C>T (NM_001292038.2).
Identifiers: ClinVar variation 4684780 (VCV004684780.2).
Genomic context (GRCh38, chr4:6,611,001, plus strand): 5'-TGTCGGAGCGGGCACATGGCATCTCCAGCCAAGGGAATGGGCAGGTGGAGGTAGGAGGCA[C>T]GGTCTGTCCTACAGCAGCCCCTCGCGGCCCCCTACAGGCATGCCCAGGTGCAAGCCGGGC-3'